The following is an entry in ClinVar:

ClinVar aggregate classification (germline): Uncertain significance. Review status: criteria provided, multiple submitters, no conflicts (2 of 4 stars). 4 submissions from 4 submitters: Uncertain significance (4). Last evaluated 2025-09-22.

Conditions:
Hereditary cancer-predisposing syndrome. Also called: Hereditary neoplastic syndrome; Tumor predisposition; Neoplastic Syndromes, Hereditary; Hereditary Cancer Syndrome. Identifiers: Orphanet 140162, MedGen C0027672, MeSH D009386, MONDO:0015356.
Familial cancer of breast. Also called: hereditary breast carcinoma; Hereditary breast cancer; BREAST CANCER, FAMILIAL. Identifiers: Orphanet 227535, MedGen C0346153, MONDO:0016419, OMIM 114480. Disease mechanism: loss of function.

Allele frequency attached by ClinVar (database versions not stated): gnomAD exomes 0.00001.

Submissions (4):

Labcorp Genetics (formerly Invitae), Labcorp
Classification: Uncertain significance for Familial cancer of breast. Last evaluated: 2025-09-22. Review status: criteria provided, single submitter. Criteria: Invitae Variant Classification Sherloc (09022015). Collection method: clinical testing. Allele origin: germline.
Comment: This sequence change replaces serine, which is neutral and polar, with arginine, which is basic and polar, at codon 412 of the CHEK2 protein (p.Ser412Arg). This variant is not present in population databases (gnomAD no frequency). This missense change has been observed in individual(s) with breast cancer (PMID: 34903604). ClinVar contains an entry for this variant (Variation ID: 954575). An algorithm developed to predict the effect of missense changes on protein structure and function (PolyPhen-2) suggests that this variant is likely to be disruptive. Experimental studies have shown that this missense change affects CHEK2 function (PMID: 34903604). In summary, the available evidence is currently insufficient to determine the role of this variant in disease. Therefore, it has been classified as a Variant of Uncertain Significance.

Ambry Genetics
Classification: Uncertain significance for Hereditary cancer-predisposing syndrome. Last evaluated: 2024-09-06. Review status: criteria provided, single submitter. Criteria: Ambry Variant Classification Scheme 2023. Collection method: clinical testing. Allele origin: germline.
Comment: The p.S412R variant (also known as c.1234A>C), located in coding exon 10 of the CHEK2 gene, results from an A to C substitution at nucleotide position 1234. The serine at codon 412 is replaced by arginine, an amino acid with dissimilar properties. Another variant with a different nucleotide change but the same protein impact (c.1236T>A; p.Ser412Arg) was reported as functionally impaired in a study assessing CHEK2-complementation through quantification of KAP1 phosphorylation and CHK2 autophosphorylation in human RPE1-CHEK2-knockout cells (Stolarova L et al. Clin Cancer Res, 2023 Aug;29:3037-3050). That same alteration was also reported as damaging in an mES cell-based assay of CHEK2 activity (Boonen RACM et al. Cancer Res, 2022 Feb;82:615-631). This amino acid position is highly conserved in available vertebrate species. In addition, this alteration is predicted to be deleterious by in silico analysis. Based on the available evidence, the clinical significance of this variant remains unclear.

Color Diagnostics, LLC DBA Color Health
Classification: Uncertain significance for Hereditary cancer-predisposing syndrome. Last evaluated: 2022-04-18. Review status: criteria provided, single submitter. Criteria: ACMG Guidelines, 2015. Collection method: clinical testing. Allele origin: germline.
Comment: This missense variant replaces serine with arginine at codon 412 of the CHEK2 protein. Computational prediction suggests that this variant may have deleterious impact on protein structure and function (internally defined REVEL score threshold >= 0.7, PMID: 27666373). A functional study using a mouse embryonic stem cell-based assay has shown this variant impairs CHEK2's ability to phosphorylate KAP1 at p.S473 ( PMID: 34903604). This variant has not been reported in individuals affected with hereditary cancer in the literature. This variant has not been identified in the general population by the Genome Aggregation Database (gnomAD). The available evidence is insufficient to determine the role of this variant in disease conclusively. Therefore, this variant is classified as a Variant of Uncertain Significance.

Sema4
Classification: Uncertain significance for Hereditary cancer-predisposing syndrome. Last evaluated: 2021-11-19. Review status: criteria provided, single submitter. Criteria: Sema4 Curation Guidelines. Collection method: curation. Allele origin: germline.
Comment: The CHEK2 c.1234A>C (p.S412R) variant has not been reported in the literature to our knowledge. It was not observed in the large and broad cohorts of the Genome Aggregation Database. The variant has been reported in ClinVar (Variation ID 954575). In silico tools suggest the impact of the variant on protein function is deleterious, though these predictions have not been confirmed by functional studies. The evidence is insufficient to meet ACMG/AMP criteria for classifying the variant as benign or pathogenic. Thus, the clinical significance of this variant is currently uncertain.

Literature cited by the submitters: PubMed 34903604 (cited by Labcorp Genetics (formerly Invitae), Labcorp and Ambry Genetics); PubMed 37449874 (cited by Ambry Genetics).

NM_007194.4(CHEK2):c.1234A>C (p.Ser412Arg)

Gene: CHEK2 (checkpoint kinase 2; minus strand). Cytogenetic location: 22q12.1.
Variant type: single nucleotide variant.
Coding change: c.1234A>C on transcript NM_007194.4 (MANE Select); coding-DNA position 1234, A replaced by C.
Protein change: p.Ser412Arg; replaces serine 412 with arginine.
Molecular consequence: missense variant.
Genome position (GRCh38, 1-based): chr22:28,695,735, T>G on the plus strand (A>C on the coding strand, the complement: CHEK2 is on the minus strand). VCF-style: chr22-28695735-T-G. GRCh37 (hg19) VCF-style: chr22-29091723-T-G.
Other names: c.1363A>C, p.Ser455Arg (NM_001005735.3); c.571A>C, p.Ser191Arg (NM_001257387.3); c.1033A>C, p.Ser345Arg (NM_001349956.3); c.1147A>C, p.Ser383Arg (NM_145862.3); short protein forms S455R, S345R, S191R, S383R, S412R.
Identifiers: ClinVar variation 954575 (VCV000954575.15), dbSNP rs2052550972, ClinGen allele CA411096634.